The following is an entry in ClinVar:

ClinVar aggregate classification (germline): Uncertain significance (1 of 4 stars; one submission).

gnomAD v4.1: 3 of 1,613,808 alleles (0.00019%); highest among the groups gnomAD compares: South Asian, 0.0033%; no homozygotes.

Submission:

GeneDx
Classification: Uncertain significance. Last evaluated: 2025-04-18. Review status: criteria provided, single submitter. Criteria: GeneDx Variant Classification Process June 2021. Collection method: clinical testing. Allele origin: germline. Affected: yes.
Comment: Not observed at significant frequency in large population cohorts (gnomAD); Missense variant in a gene in which most reported pathogenic variants are truncating/loss of function; Has not been previously published as pathogenic or benign to our knowledge

NM_001267550.2(TTN):c.86958G>T (p.Gln28986His)

Genes: TTN (titin; minus strand), TTN-AS1 (TTN antisense RNA 1; plus strand). Cytogenetic location: 2q31.2.
Variant type: single nucleotide variant.
Coding change: c.86958G>T on transcript NM_001267550.2 (MANE Select); coding-DNA position 86958, G replaced by T.
Protein change: p.Gln28986His; replaces glutamine 28986 with histidine.
Molecular consequence: missense variant.
Genome position (GRCh38, 1-based): chr2:178,558,501, C>A on the plus strand (G>T on the coding strand, the complement: TTN is on the minus strand). VCF-style: chr2-178558501-C-A. GRCh37 (hg19) VCF-style: chr2-179423228-C-A.
Other names: c.82035G>T, p.Gln27345His (NM_001256850.1); c.59763G>T, p.Gln19921His (NM_003319.4); c.79254G>T, p.Gln26418His (NM_133378.4); c.60138G>T, p.Gln20046His (NM_133432.3); c.60339G>T, p.Gln20113His (NM_133437.4); short protein forms Q19921H, Q20046H, Q20113H, Q26418H, Q27345H, Q28986H.
Identifiers: ClinVar variation 4282416 (VCV004282416.1).